The following is an entry in ClinVar:

ClinVar aggregate classification (germline): Uncertain significance. Review status: criteria provided, multiple submitters, no conflicts (2 of 4 stars). 2 submissions from 2 submitters: Uncertain significance (2). Last evaluated 2026-01-14.

Conditions:
Inborn genetic diseases. Identifiers: MedGen C0950123, MeSH D030342.

Allele frequency attached by ClinVar (database versions not stated): ExAC 0.00009; gnomAD 0.00009; TOPMed 0.00009; gnomAD exomes 0.00012 and 0.00013.

Submissions (2):

Labcorp Genetics (formerly Invitae), Labcorp
Classification: Uncertain significance. Last evaluated: 2026-01-14. Review status: criteria provided, single submitter. Criteria: Invitae Variant Classification Sherloc (09022015). Collection method: clinical testing. Allele origin: germline.
Comment: This sequence change replaces proline, which is neutral and non-polar, with serine, which is neutral and polar, at codon 509 of the CSF2RB protein (p.Pro509Ser). This variant is present in population databases (rs763065566, gnomAD 0.02%). This variant has not been reported in the literature in individuals affected with CSF2RB-related conditions. ClinVar contains an entry for this variant (Variation ID: 1362546). Invitae Evidence Modeling of protein sequence and biophysical properties (such as structural, functional, and spatial information, amino acid conservation, physicochemical variation, residue mobility, and thermodynamic stability) indicates that this missense variant is not expected to disrupt CSF2RB protein function with a negative predictive value of 80%. In summary, the available evidence is currently insufficient to determine the role of this variant in disease. Therefore, it has been classified as a Variant of Uncertain Significance.

Ambry Genetics
Classification: Uncertain significance for Inborn genetic diseases. Last evaluated: 2023-07-25. Review status: criteria provided, single submitter. Criteria: Ambry Variant Classification Scheme 2023. Collection method: clinical testing. Allele origin: germline.

NM_000395.3(CSF2RB):c.1525C>T (p.Pro509Ser)

Gene: CSF2RB (colony stimulating factor 2 receptor subunit beta; plus strand). Cytogenetic location: 22q12.3.
Variant type: single nucleotide variant.
Coding change: c.1525C>T on transcript NM_000395.3 (MANE Select); coding-DNA position 1525, C replaced by T.
Protein change: p.Pro509Ser; replaces proline 509 with serine.
Molecular consequence: missense variant.
Genome position (GRCh38, 1-based): chr22:36,936,609, C>T. VCF-style: chr22-36936609-C-T. GRCh37 (hg19) VCF-style: chr22-37332651-C-T.
Other names: c.1525C>T (NM_000395.2); short protein forms P509S.
Identifiers: ClinVar variation 1362546 (VCV001362546.7), dbSNP rs763065566, ClinGen allele CA10213909.